The following is an entry in ClinVar:

ClinVar aggregate classification (germline): Uncertain significance (1 of 4 stars; one submission).

Conditions:
Hereditary cancer-predisposing syndrome. Also called: Neoplastic Syndromes, Hereditary; Tumor predisposition; Hereditary Cancer Syndrome; Hereditary neoplastic syndrome. Identifiers: Orphanet 140162, MedGen C0027672, MeSH D009386, MONDO:0015356.

Submission:

Ambry Genetics
Classification: Uncertain significance for Hereditary cancer-predisposing syndrome. Last evaluated: 2021-03-23. Review status: criteria provided, single submitter. Criteria: Ambry Variant Classification Scheme 2023. Collection method: clinical testing. Allele origin: germline.
Comment: The p.Q42R variant (also known as c.125A>G), located in coding exon 1 of the FANCC gene, results from an A to G substitution at nucleotide position 125. The glutamine at codon 42 is replaced by arginine, an amino acid with highly similar properties. This amino acid position is highly conserved in available vertebrate species. In addition, the in silico prediction for this alteration is inconclusive. Since supporting evidence is limited at this time, the clinical significance of this alteration remains unclear.

NM_000136.3(FANCC):c.125A>G (p.Gln42Arg)

Gene: FANCC (FA complementation group C; minus strand). Cytogenetic location: 9q22.32.
Variant type: single nucleotide variant.
Coding change: c.125A>G on transcript NM_000136.3 (MANE Select); coding-DNA position 125, A replaced by G.
Protein change: p.Gln42Arg; replaces glutamine 42 with arginine.
Molecular consequence: missense variant.
Genome position (GRCh38, 1-based): chr9:95,249,167, T>C on the plus strand (A>G on the coding strand, the complement: FANCC is on the minus strand). VCF-style: chr9-95249167-T-C. GRCh37 (hg19) VCF-style: chr9-98011449-T-C.
Other names: c.125A>G, p.Gln42Arg (NM_001243743.2, NM_001243744.2); short protein forms Q42R.
Identifiers: ClinVar variation 1762676 (VCV001762676.2), dbSNP rs2542860364, ClinGen allele CA374340280.